The following is an entry in ClinVar:

ClinVar aggregate classification (germline): Uncertain significance (1 of 4 stars; one submission).

Submission:

GeneDx
Classification: Uncertain significance. Last evaluated: 2025-06-10. Review status: criteria provided, single submitter. Criteria: GeneDx Variant Classification Process June 2021. Collection method: clinical testing. Allele origin: germline. Affected: yes.
Comment: Not observed at significant frequency in large population cohorts (gnomAD); Missense variant in a gene in which most reported pathogenic variants are truncating/loss of function; Has not been previously published as pathogenic or benign to our knowledge

NM_001267550.2(TTN):c.89276T>C (p.Val29759Ala)

Genes: TTN (titin; minus strand), TTN-AS1 (TTN antisense RNA 1; plus strand). Cytogenetic location: 2q31.2.
Variant type: single nucleotide variant.
Coding change: c.89276T>C on transcript NM_001267550.2 (MANE Select); coding-DNA position 89276, T replaced by C.
Protein change: p.Val29759Ala; replaces valine 29759 with alanine.
Molecular consequence: missense variant.
Genome position (GRCh38, 1-based): chr2:178,553,729, A>G on the plus strand (T>C on the coding strand, the complement: TTN is on the minus strand). VCF-style: chr2-178553729-A-G. GRCh37 (hg19) VCF-style: chr2-179418456-A-G.
Other names: c.84353T>C, p.Val28118Ala (NM_001256850.1); c.62081T>C, p.Val20694Ala (NM_003319.4); c.81572T>C, p.Val27191Ala (NM_133378.4); c.62456T>C, p.Val20819Ala (NM_133432.3); c.62657T>C, p.Val20886Ala (NM_133437.4); short protein forms V20694A, V20819A, V20886A, V27191A, V28118A, V29759A.
Identifiers: ClinVar variation 4537602 (VCV004537602.1).